The following is an entry in ClinVar:

NM_000489.6(ATRX):c.1013C>G (p.Ser338Cys)

Gene: ATRX (ATRX chromatin remodeler; minus strand). Cytogenetic location: Xq21.1.
Variant type: single nucleotide variant.
Coding change: c.1013C>G on transcript NM_000489.6 (MANE Select); coding-DNA position 1013, C replaced by G.
Protein change: p.Ser338Cys; replaces serine 338 with cysteine.
Molecular consequence: missense variant.
Genome position (GRCh38, 1-based): chrX:77,684,243, G>C on the plus strand (C>G on the coding strand, the complement: ATRX is on the minus strand). VCF-style: chrX-77684243-G-C. GRCh37 (hg19) VCF-style: chrX-76939735-G-C.
Other names: c.1013C>G (NM_000489.3); c.899C>G, p.Ser300Cys (NM_138270.5); short protein forms S338C, S300C.
Identifiers: ClinVar variation 2737263 (VCV002737263.4), dbSNP rs1219790967, ClinGen allele CA413719862.

ClinVar aggregate classification (germline): Conflicting classifications of pathogenicity. Review status: criteria provided, conflicting classifications (1 of 4 stars). 2 submissions from 2 submitters: Uncertain significance (1); Likely benign (1). Last evaluated 2026-04-24.

Conditions:
Alpha thalassemia-X-linked intellectual disability syndrome (ATRX). Also called: ALPHA-THALASSEMIA/MENTAL RETARDATION SYNDROME, X-LINKED; ATR, NONDELETION TYPE; ATR-X syndrome; Alpha thalassemia mental retardation syndrome, nondeletion type, X-linked; XLMR hypotonic face syndrome; X-linked alpha-thalassemia-mental retardation syndrome. Identifiers: Orphanet 847, MedGen C1845055, MONDO:0010519, OMIM 301040.
Inborn genetic diseases. Identifiers: MedGen C0950123, MeSH D030342.

Allele frequency attached by ClinVar (database versions not stated): TOPMed below 0.00001.
gnomAD v4.1: 4 of 1,209,423 alleles (0.00033%); highest among the groups gnomAD compares: South Asian, 0.0035%; no homozygotes.

Submissions (2):

Ambry Genetics
Classification: Uncertain significance for Inborn genetic diseases. Last evaluated: 2026-04-24. Review status: criteria provided, single submitter. Criteria: Ambry Variant Classification Scheme 2023. Collection method: clinical testing. Allele origin: germline.
Comment: The c.1013C>G (p.S338C) alteration is located in exon 9 (coding exon 9) of the ATRX gene. This alteration results from a C to G substitution at nucleotide position 1013, causing the serine (S) at amino acid position 338 to be replaced by a cysteine (C). Based on data from gnomAD, the G allele has an overall frequency of <0.001% (1/182316) total alleles studied. The highest observed frequency was 0.005% (1/19037) of South Asian alleles. Based on insufficient or conflicting evidence, the clinical significance of this alteration remains unclear.

Labcorp Genetics (formerly Invitae), Labcorp
Classification: Likely benign for Alpha thalassemia-X-linked intellectual disability syndrome. Last evaluated: 2024-10-15. Review status: criteria provided, single submitter. Criteria: Invitae Variant Classification Sherloc (09022015). Collection method: clinical testing. Allele origin: germline.